The following is an entry in ClinVar:

ClinVar aggregate classification (germline): Benign. Review status: criteria provided, multiple submitters, no conflicts (2 of 4 stars). 2 submissions from 2 submitters: Benign (2). Last evaluated 2018-01-13.

Conditions:
Retinitis pigmentosa (RP). Identifiers: Orphanet 791, MedGen C0035334, MeSH D012174, MONDO:0019200, OMIM 268000. Inheritance: Autosomal dominant, autosomal recessive and X linked inheritance.

Allele frequency attached by ClinVar (database versions not stated): gnomAD 0.02750 and 0.03095; TOPMed 0.03279; ExAC 0.04307; gnomAD exomes 0.04496; 1000 Genomes Project 30x 0.06418; 1000 Genomes Project 0.06909.
gnomAD v4.1: 17,031 of 458,108 alleles (3.7%); highest among the groups gnomAD compares: East Asian, 22%; 691 homozygotes.

Submissions (2):

Illumina Laboratory Services, Illumina
Classification: Benign for Retinitis pigmentosa. Last evaluated: 2018-01-13. Review status: criteria provided, single submitter. Criteria: ICSL Variant Classification Criteria 13 December 2019. Collection method: clinical testing. Allele origin: germline.
Comment: This variant was observed in the ICSL laboratory as part of a predisposition screen in an ostensibly healthy population. It had not been previously curated by ICSL or reported in the Human Gene Mutation Database (HGMD: prior to June 1st, 2018), and was therefore a candidate for classification through an automated scoring system. Utilizing variant allele frequency, disease prevalence and penetrance estimates, and inheritance mode, an automated score was calculated to assess if this variant is too frequent to cause the disease. Based on the score and internal cut-off values, a variant classified as benign is not then subjected to further curation. The score for this variant resulted in a classification of benign for this disease.

Breakthrough Genomics
Classification: Benign. Review status: criteria provided, single submitter. Criteria: ACMG Guidelines, 2015. Collection method: not provided. Allele origin: germline. Inheritance: Autosomal recessive inheritance. Affected: yes.

NM_002602.4(PDE6G):c.*393C>T

Gene: PDE6G (phosphodiesterase 6G; minus strand). Cytogenetic location: 17q25.3.
Variant type: single nucleotide variant.
Coding change: c.*393C>T on transcript NM_002602.4 (MANE Select); 393 bases downstream of the stop codon, C replaced by T.
Molecular consequence: 3 prime UTR variant. On other transcripts: non-coding transcript variant (2).
Genome position (GRCh38, 1-based): chr17:81,650,681, G>A on the plus strand (C>T on the coding strand, the complement: PDE6G is on the minus strand). VCF-style: chr17-81650681-G-A. GRCh37 (hg19) VCF-style: chr17-79617711-G-A.
Other names: c.*393C>T (NM_001365724.1, NM_001365725.1).
Identifiers: ClinVar variation 325855 (VCV000325855.6), dbSNP rs57654048, ClinGen allele CA8838933.